The following is an entry in ClinVar:

ClinVar aggregate classification (germline): Uncertain significance. Review status: criteria provided, multiple submitters, no conflicts (2 of 4 stars). 2 submissions from 2 submitters: Uncertain significance (2). Last evaluated 2024-12-11.

Conditions:
Cardiomyopathy (CMYO). Also called: Cardiomyopathies. Identifiers: Orphanet 167848, MedGen C0878544, MONDO:0004994, HP:0001638. Inheritance: Various modes of inheritance.
Hypertrophic cardiomyopathy. Also called: HYPERTROPHIC MYOCARDIOPATHY. Identifiers: Orphanet 217569, MedGen C0007194, MeSH D002312, MONDO:0005045, HP:0001639.

Submissions (2):

Labcorp Genetics (formerly Invitae), Labcorp
Classification: Uncertain significance for Hypertrophic cardiomyopathy. Last evaluated: 2024-12-11. Review status: criteria provided, single submitter. Criteria: Invitae Variant Classification Sherloc (09022015). Collection method: clinical testing. Allele origin: germline.
Comment: This sequence change replaces serine, which is neutral and polar, with proline, which is neutral and non-polar, at codon 792 of the MYH7 protein (p.Ser792Pro). This variant is not present in population databases (gnomAD no frequency). This variant has not been reported in the literature in individuals affected with MYH7-related conditions. ClinVar contains an entry for this variant (Variation ID: 1329403). Invitae Evidence Modeling of protein sequence and biophysical properties (such as structural, functional, and spatial information, amino acid conservation, physicochemical variation, residue mobility, and thermodynamic stability) indicates that this missense variant is expected to disrupt MYH7 protein function with a positive predictive value of 95%. In summary, the available evidence is currently insufficient to determine the role of this variant in disease. Therefore, it has been classified as a Variant of Uncertain Significance.

CHEO Genetics Diagnostic Laboratory, Children's Hospital of Eastern Ontario
Classification: Uncertain significance for Cardiomyopathy. Last evaluated: 2020-06-16. Review status: criteria provided, single submitter. Criteria: ACMG Guidelines, 2015. Collection method: clinical testing. Allele origin: germline.

NM_000257.4(MYH7):c.2374T>C (p.Ser792Pro)

Genes: MYH7 (myosin heavy chain 7; minus strand), LOC126861898 (BRD4-independent group 4 enhancer GRCh37_chr14:23893609-23894808; plus strand). Cytogenetic location: 14q11.2.
Variant type: single nucleotide variant.
Coding change: c.2374T>C on transcript NM_000257.4 (MANE Select); coding-DNA position 2374, T replaced by C.
Protein change: p.Ser792Pro; replaces serine 792 with proline.
Molecular consequence: missense variant.
Genome position (GRCh38, 1-based): chr14:23,425,331, A>G on the plus strand (T>C on the coding strand, the complement: MYH7 is on the minus strand). VCF-style: chr14-23425331-A-G. GRCh37 (hg19) VCF-style: chr14-23894540-A-G.
Other names: short protein forms S792P.
Identifiers: ClinVar variation 1329403 (VCV001329403.4), dbSNP rs2138667036, ClinGen allele CA389048548.